The following is an entry in ClinVar:

NM_000136.3(FANCC):c.530C>T (p.Pro177Leu)

Genes: FANCC (FA complementation group C; minus strand), AOPEP (aminopeptidase O (putative); plus strand). Cytogenetic location: 9q22.32.
Variant type: single nucleotide variant.
Coding change: c.530C>T on transcript NM_000136.3 (MANE Select); coding-DNA position 530, C replaced by T.
Protein change: p.Pro177Leu; replaces proline 177 with leucine.
Molecular consequence: missense variant.
Genome position (GRCh38, 1-based): chr9:95,150,079, G>A on the plus strand (C>T on the coding strand, the complement: FANCC is on the minus strand). VCF-style: chr9-95150079-G-A. GRCh37 (hg19) VCF-style: chr9-97912361-G-A.
Other names: c.530C>T, p.Pro177Leu (NM_001243743.2, NM_001243744.2); short protein forms P177L.
Identifiers: ClinVar variation 1056007 (VCV001056007.12), dbSNP rs1208450171, ClinGen allele CA374109878.

ClinVar aggregate classification (germline): Uncertain significance. Review status: criteria provided, multiple submitters, no conflicts (2 of 4 stars). 2 submissions from 2 submitters: Uncertain significance (2). Last evaluated 2025-10-01.

Conditions:
Hereditary cancer-predisposing syndrome. Also called: Hereditary Cancer Syndrome; Tumor predisposition; Hereditary neoplastic syndrome; Neoplastic Syndromes, Hereditary. Identifiers: Orphanet 140162, MedGen C0027672, MeSH D009386, MONDO:0015356.
Fanconi anemia (FA). Also called: Fanconi's anemia. Identifiers: Orphanet 84, MedGen C0015625, MeSH D005199, MONDO:0019391.

Allele frequency attached by ClinVar (database versions not stated): TOPMed below 0.00001; gnomAD 0.00001.
gnomAD v4.1: 1 of 1,613,914 alleles (0.000062%); highest among the groups gnomAD compares: African/African-American, 0.0013%; no homozygotes.

Submissions (2):

Ambry Genetics
Classification: Uncertain significance for Hereditary cancer-predisposing syndrome. Last evaluated: 2025-10-01. Review status: criteria provided, single submitter. Criteria: Ambry Variant Classification Scheme 2023. Collection method: clinical testing. Allele origin: germline.
Comment: The p.P177L variant (also known as c.530C>T), located in coding exon 6 of the FANCC gene, results from a C to T substitution at nucleotide position 530. The proline at codon 177 is replaced by leucine, an amino acid with similar properties. This amino acid position is well conserved in available vertebrate species. In addition, this alteration is predicted to be tolerated by in silico analysis. Since supporting evidence is limited at this time, the clinical significance of this alteration remains unclear.

Labcorp Genetics (formerly Invitae), Labcorp
Classification: Uncertain significance for Fanconi anemia. Last evaluated: 2020-10-05. Review status: criteria provided, single submitter. Criteria: Invitae Variant Classification Sherloc (09022015). Collection method: clinical testing. Allele origin: germline.
Comment: This sequence change replaces proline with leucine at codon 177 of the FANCC protein (p.Pro177Leu). The proline residue is moderately conserved and there is a moderate physicochemical difference between proline and leucine. This variant is not present in population databases (ExAC no frequency). This variant has not been reported in the literature in individuals with FANCC-related conditions. Algorithms developed to predict the effect of missense changes on protein structure and function are either unavailable or do not agree on the potential impact of this missense change (SIFT: "Tolerated"; PolyPhen-2: "Probably Damaging"; Align-GVGD: "Class C0"). In summary, the available evidence is currently insufficient to determine the role of this variant in disease. Therefore, it has been classified as a Variant of Uncertain Significance.